The following is an entry in ClinVar:

NM_194293.4(XIRP1):c.1687C>A (p.His563Asn)

Gene: XIRP1 (xin actin binding repeat containing 1; minus strand). Cytogenetic location: 3p22.2.
Variant type: single nucleotide variant.
Coding change: c.1687C>A on transcript NM_194293.4 (MANE Select); coding-DNA position 1687, C replaced by A.
Protein change: p.His563Asn; replaces histidine 563 with asparagine.
Molecular consequence: missense variant. On other transcripts: intron variant (1).
Genome position (GRCh38, 1-based): chr3:39,187,759, G>T on the plus strand (C>A on the coding strand, the complement: XIRP1 is on the minus strand). VCF-style: chr3-39187759-G-T. GRCh37 (hg19) VCF-style: chr3-39229250-G-T.
Other names: c.1687C>A, p.His563Asn (NM_001198621.4); c.-167-2098C>A (NM_001351377.2); short protein forms H563N.
Identifiers: ClinVar variation 3346122 (VCV003346122.1).

ClinVar aggregate classification (germline): Uncertain significance (0 of 4 stars; one submission).

Conditions:
XIRP1-related disorder. Also called: XIRP1-related condition.

Submission:

PreventionGenetics, part of Exact Sciences
Classification: Uncertain significance for XIRP1-related condition. Last evaluated: 2024-08-29. Review status: no assertion criteria provided. Collection method: clinical testing. Allele origin: germline.
Comment: The XIRP1 c.1687C>A variant is predicted to result in the amino acid substitution p.His563Asn. To our knowledge, this variant has not been reported in the literature or in a large population database, indicating this variant is rare. At this time, the clinical significance of this variant is uncertain due to the absence of conclusive functional and genetic evidence.